The following is an entry in ClinVar:

NM_001111125.3(IQSEC2):c.3541C>T (p.Pro1181Ser)

Gene: IQSEC2 (IQ motif and Sec7 domain ArfGEF 2; minus strand). Cytogenetic location: Xp11.22.
Variant type: single nucleotide variant.
Coding change: c.3541C>T on transcript NM_001111125.3 (MANE Select); coding-DNA position 3541, C replaced by T.
Protein change: p.Pro1181Ser; replaces proline 1181 with serine.
Molecular consequence: missense variant. On other transcripts: 3 prime UTR variant (1).
Genome position (GRCh38, 1-based): chrX:53,235,145, G>A on the plus strand (C>T on the coding strand, the complement: IQSEC2 is on the minus strand). VCF-style: chrX-53235145-G-A. GRCh37 (hg19) VCF-style: chrX-53264327-G-A.
Other names: c.*26C>T (NM_015075.2); short protein forms P1181S.
Identifiers: ClinVar variation 1168384 (VCV001168384.36), dbSNP rs782101524, ClinGen allele CA10419783.
Genomic context (GRCh38, chrX:53,235,145, plus strand): 5'-AGTTGGAGACGGGCCTCTGGCTCTTGTACTCCTCTGGCGGCGGGGGTGGGGGCGGAGGTG[G>A]CATCCTCTGGTGAGGGCGTGGACTGCTAATAACAGACCCCTGGAAGCGGGGAGGGGGGAA-3'
Protein context (NP_001104595.1, residues 1171-1191): ISSPRPHQRM[Pro1181Ser]PPPPPPPPEE

ClinVar aggregate classification (germline): Benign/Likely benign. Review status: criteria provided, multiple submitters, no conflicts (2 of 4 stars). 5 submissions from 5 submitters: Benign (1); Likely benign (2). 2 of the submissions do not count toward it. Last evaluated 2025-09-25.

Conditions:
Intellectual developmental disorder, X-linked 1. Also called: Intellectual disability, X-linked 1; MENTAL RETARDATION, X-LINKED 18; MENTAL RETARDATION, X-LINKED 78; Atkin Flaitz Patil Smith syndrome. Identifiers: Orphanet 777, MedGen C2931498, MONDO:0010656, OMIM 309530.

Allele frequency attached by ClinVar (database versions not stated): gnomAD exomes 0.00017 and 0.00008; ExAC 0.00057; gnomAD 0.00007; TOPMed 0.00010.
gnomAD v4.1: 89 of 1,155,323 alleles (0.0077%); highest among the groups gnomAD compares: Non-Finnish European, 0.0061%; no homozygotes.

Submissions (5):

Labcorp Genetics (formerly Invitae), Labcorp
Classification: Benign for Intellectual developmental disorder, X-linked 1. Last evaluated: 2025-09-25. Review status: criteria provided, single submitter. Criteria: Invitae Variant Classification Sherloc (09022015). Collection method: clinical testing. Allele origin: germline.

Blueprint Genetics
Classification: Likely benign. Last evaluated: 2023-11-13. Review status: criteria provided, single submitter. Criteria: ACMG Guidelines, 2015. Collection method: clinical testing. Allele origin: germline.

CeGaT Center for Human Genetics Tuebingen
Classification: Likely benign. Last evaluated: 2023-03-01. Review status: criteria provided, single submitter. Criteria: CeGaT Center For Human Genetics Tuebingen Variant Classification Criteria Version 2. Collection method: clinical testing. Allele origin: germline. Affected: yes. Observed: 1 variant allele.
Comment: IQSEC2: PP2, BS2

Clinical Genetics DNA and cytogenetics Diagnostics Lab, Erasmus MC, Erasmus Medical Center
Classification: Likely benign. Review status: no assertion criteria provided. Collection method: clinical testing. Allele origin: germline. Affected: yes. Study: VKGL Data-share Consensus. Not counted in ClinVar's aggregate classification.

Genome Diagnostics Laboratory, University Medical Center Utrecht
Classification: Likely benign. Review status: no assertion criteria provided. Collection method: clinical testing. Allele origin: germline. Affected: yes. Study: VKGL Data-share Consensus. Not counted in ClinVar's aggregate classification.